The following is an entry in ClinVar:

ClinVar aggregate classification (germline): Likely benign. Review status: reviewed by expert panel (3 of 4 stars). 10 submissions from 10 submitters: Likely benign (1). 9 of the submissions do not count toward it. Last evaluated 2017-06-29.

Conditions:
Hereditary breast ovarian cancer syndrome. Also called: Hereditary breast and ovarian cancer syndrome (HBOC); BRCA1- and BRCA2-Associated Hereditary Breast and Ovarian Cancer; Hereditary breast and/or ovarian cancer syndrome; Hereditary breast and ovarian cancer syndrome; Hereditary breast and ovarian cancer; Breast and ovarian cancer. Identifiers: Orphanet 145, MedGen C0677776, MeSH D061325, MONDO:0003582. Disease mechanism: loss of function.
Hereditary cancer-predisposing syndrome. Also called: Neoplastic Syndromes, Hereditary; Hereditary neoplastic syndrome; Tumor predisposition; Hereditary Cancer Syndrome. Identifiers: Orphanet 140162, MedGen C0027672, MeSH D009386, MONDO:0015356.
BRCA1-related cancer predisposition. Identifiers: MedGen CN377757, MONDO:0700268.
BRCA1-related disorder. Also called: BRCA1-related condition.
Breast-ovarian cancer, familial, susceptibility to, 1 (BROVCA1). Also called: BRCA1 Hereditary Breast and Ovarian Cancer; OVARIAN CANCER, SUSCEPTIBILITY TO. Identifiers: Orphanet 145, MedGen C2676676, MONDO:0011450, OMIM 604370. Disease mechanism: loss of function.

Allele frequency attached by ClinVar (database versions not stated): gnomAD exomes below 0.00001.
gnomAD v4.1: 9 of 1,614,112 alleles (0.00056%); highest among the groups gnomAD compares: Non-Finnish European, 0.00051%; no homozygotes.

Submissions (10):

Evidence-based Network for the Interpretation of Germline Mutant Alleles (ENIGMA)
Classification: Likely benign for Breast-ovarian cancer, familial, susceptibility to, 1. Last evaluated: 2017-06-29. Review status: reviewed by expert panel. Criteria: ENIGMA BRCA1/2 Classification Criteria (2017-06-29). Collection method: curation. Allele origin: germline.
Comment: Synonymous substitution variant, with low bioinformatic likelihood to result in a splicing aberration (Splicing prior probability 0.02).

Labcorp Genetics (formerly Invitae), Labcorp
Classification: Likely benign for Hereditary breast ovarian cancer syndrome. Last evaluated: 2025-09-15. Review status: criteria provided, single submitter. Criteria: Invitae Variant Classification Sherloc (09022015). Collection method: clinical testing. Allele origin: germline. Not counted in ClinVar's aggregate classification.

PreventionGenetics, part of Exact Sciences
Classification: Likely benign for BRCA1-related condition. Last evaluated: 2025-06-17. Review status: criteria provided, single submitter. Criteria: ACMG Guidelines, 2015. Collection method: clinical testing. Allele origin: germline. Not counted in ClinVar's aggregate classification.
Comment: This variant is classified as likely benign based on ACMG/AMP sequence variant interpretation guidelines (Richards et al. 2015 PMID: 25741868, with internal and published modifications).

All of Us Research Program, National Institutes of Health
Classification: Likely benign for BRCA1-related cancer predisposition. Last evaluated: 2024-04-16. Review status: criteria provided, single submitter. Criteria: ACMG Guidelines, 2015. Collection method: clinical testing. Allele origin: germline. Inheritance: Autosomal dominant inheritance. Observed: 1 variant allele, 1 heterozygote. Not counted in ClinVar's aggregate classification.
Comment: This study involves interpretation of variants in research participants for the purpose of population health screening. Participant phenotype was not available at the time of variant classification. Additional details can be found in publication PMID: 35346344, PMCID: PMC8962531

National Health Laboratory Service, Universitas Academic Hospital and University of the Free State
Classification: Likely benign for Hereditary breast ovarian cancer syndrome. Last evaluated: 2022-04-19. Review status: criteria provided, single submitter. Criteria: ACMG Guidelines, 2015. Collection method: clinical testing. Allele origin: germline. Affected: yes. Observed: 2 variant alleles. Not counted in ClinVar's aggregate classification.

Quest Diagnostics Nichols Institute San Juan Capistrano
Classification: Likely benign. Last evaluated: 2020-12-04. Review status: criteria provided, single submitter. Criteria: Quest Diagnostics criteria. Collection method: clinical testing. Allele origin: unknown. Not counted in ClinVar's aggregate classification.

Ambry Genetics
Classification: Likely benign for Hereditary cancer-predisposing syndrome. Last evaluated: 2019-05-17. Review status: criteria provided, single submitter. Criteria: Ambry Variant Classification Scheme 2023. Collection method: clinical testing. Allele origin: germline. Not counted in ClinVar's aggregate classification.

Color Diagnostics, LLC DBA Color Health
Classification: Likely benign for Hereditary cancer-predisposing syndrome. Last evaluated: 2019-02-22. Review status: criteria provided, single submitter. Criteria: ACMG Guidelines, 2015. Collection method: clinical testing. Allele origin: germline. Not counted in ClinVar's aggregate classification.

Genome Diagnostics Laboratory, University Medical Center Utrecht
Classification: Likely benign. Review status: no assertion criteria provided. Collection method: clinical testing. Allele origin: germline. Affected: yes. Study: VKGL Data-share Consensus. Not counted in ClinVar's aggregate classification.

Joint Genome Diagnostic Labs from Nijmegen and Maastricht, Radboudumc and MUMC+
Classification: Likely benign. Review status: no assertion criteria provided. Collection method: clinical testing. Allele origin: germline. Affected: yes. Study: VKGL Data-share Consensus. Not counted in ClinVar's aggregate classification.

Literature cited by the submitters: DOI 10.3389/fgene.2022.834265 (cited by National Health Laboratory Service, Universitas Academic Hospital and University of the Free State).

NM_007294.4(BRCA1):c.2139A>C (p.Ser713=)

Gene: BRCA1 (BRCA1 DNA repair associated; minus strand). Cytogenetic location: 17q21.31.
Variant type: single nucleotide variant.
Coding change: c.2139A>C on transcript NM_007294.4 (MANE Select); coding-DNA position 2139, A replaced by C.
Protein change: p.Ser713=; no amino-acid change (serine 713 retained).
Molecular consequence: synonymous variant. On other transcripts: intron variant (137).
Genome position (GRCh38, 1-based): chr17:43,093,392, T>G on the plus strand (A>C on the coding strand, the complement: BRCA1 is on the minus strand). VCF-style: chr17-43093392-T-G. GRCh37 (hg19) VCF-style: chr17-41245409-T-G.
Other names: NP_009225.1:p.Ser713=; c.1926A>C, p.Ser642= (NM_001407571.1, NM_001407853.1, NM_001407894.1 and 9 more transcripts); c.2139A>C, p.Ser713= (NM_001407581.1, NM_001407582.1, NM_001407583.1 and 30 more transcripts); c.2136A>C, p.Ser712= (NM_001407587.1, NM_001407590.1, NM_001407591.1 and 22 more transcripts); c.2130A>C, p.Ser710= (NM_001407646.1, NM_001407647.1); c.2016A>C, p.Ser672= (NM_001407648.1, NM_001407664.1, NM_001407665.1 and 19 more transcripts); c.2013A>C, p.Ser671= (NM_001407649.1, NM_001407670.1, NM_001407671.1 and 11 more transcripts); c.2061A>C, p.Ser687= (NM_001407653.1, NM_001407654.1, NM_001407655.1 and 4 more transcripts); and 42 more.
Identifiers: ClinVar variation 427279 (VCV000427279.40), dbSNP rs1131692089, ClinGen allele CA500232907.